The following is an entry in ClinVar:

NM_020937.4(FANCM):c.4370G>C (p.Arg1457Thr)

Gene: FANCM (FA complementation group M; plus strand). Cytogenetic location: 14q21.2.
Variant type: single nucleotide variant.
Coding change: c.4370G>C on transcript NM_020937.4 (MANE Select); coding-DNA position 4370, G replaced by C.
Protein change: p.Arg1457Thr; replaces arginine 1457 with threonine.
Molecular consequence: missense variant.
Genome position (GRCh38, 1-based): chr14:45,181,689, G>C. VCF-style: chr14-45181689-G-C. GRCh37 (hg19) VCF-style: chr14-45650892-G-C.
Other names: c.4292G>C, p.Arg1431Thr (NM_001308133.2); short protein forms R1431T, R1457T.
Identifiers: ClinVar variation 4254572 (VCV004254572.1).

ClinVar aggregate classification (germline): Uncertain significance (1 of 4 stars; one submission).

Conditions:
Inborn genetic diseases. Identifiers: MedGen C0950123, MeSH D030342.

Submission:

Ambry Genetics
Classification: Uncertain significance for Inborn genetic diseases. Last evaluated: 2025-07-04. Review status: criteria provided, single submitter. Criteria: Ambry Variant Classification Scheme 2023. Collection method: clinical testing. Allele origin: germline.
Comment: The p.R1457T variant (also known as c.4370G>C), located in coding exon 16 of the FANCM gene, results from a G to C substitution at nucleotide position 4370. The arginine at codon 1457 is replaced by threonine, an amino acid with similar properties. This amino acid position is conserved. In addition, this alteration is predicted to be tolerated by in silico analysis. Based on the available evidence, the clinical significance of this variant remains unclear.